The following is an entry in ClinVar:

NM_004366.6(CLCN2):c.76T>A (p.Tyr26Asn)

Gene: CLCN2 (chloride voltage-gated channel 2; minus strand). Cytogenetic location: 3q27.1.
Variant type: single nucleotide variant.
Coding change: c.76T>A on transcript NM_004366.6 (MANE Select); coding-DNA position 76, T replaced by A.
Protein change: p.Tyr26Asn; replaces tyrosine 26 with asparagine.
Molecular consequence: missense variant.
Genome position (GRCh38, 1-based): chr3:184,359,119, A>T on the plus strand (T>A on the coding strand, the complement: CLCN2 is on the minus strand). VCF-style: chr3-184359119-A-T. GRCh37 (hg19) VCF-style: chr3-184076907-A-T.
Other names: c.76T>A, p.Tyr26Asn (NM_001171087.3, NM_001171088.3, NM_001171089.3); short protein forms Y26N.
Identifiers: ClinVar variation 441166 (VCV000441166.4), dbSNP rs1553857113, ClinGen allele CA355458474.

ClinVar aggregate classification (germline): Pathogenic. Review status: no assertion criteria provided (0 of 4 stars). 2 submissions from 2 submitters: Pathogenic (2). Last evaluated 2018-08-10.

Conditions:
Familial hyperaldosteronism type II. Also called: FH II. Identifiers: Orphanet 404, MedGen C1854107, MONDO:0011576, OMIM 605635.

Submissions (2):

OMIM
Classification: Pathogenic for HYPERALDOSTERONISM, FAMILIAL, TYPE II. Last evaluated: 2018-08-10. Review status: no assertion criteria provided. Collection method: literature only. Allele origin: germline.

Ute Scholl Laboratory, Heinrich Heine University Duesseldorf
Classification: Pathogenic for Familial hyperaldosteronism type II. Last evaluated: 2017-09-25. Review status: no assertion criteria provided. Collection method: research, in vitro. Allele origin: germline. Inheritance: Autosomal unknown. Affected: yes. Observed: 1 variant allele, 1 heterozygote. Functional consequence: protein gain of function.
Comment: Four independent occurrences of CLCN2 p.Arg172Gln, significant burden of rare variants in CLCN2 in early-onset primary aldosteronism (two de novo), localization of CLCN2 in adrenal zona glomerulosa, electrophysiologic impact of mutant channels and effect on aldosterone synthase expression

Literature cited by the submitters: PubMed 29403011 (cited by OMIM).